The following is an entry in ClinVar:

ClinVar aggregate classification (germline): Uncertain significance. Review status: criteria provided, multiple submitters, no conflicts (2 of 4 stars). 2 submissions from 2 submitters: Uncertain significance (2). Last evaluated 2025-02-04.

Submissions (2):

Labcorp Genetics (formerly Invitae), Labcorp
Classification: Uncertain significance. Last evaluated: 2025-02-04. Review status: criteria provided, single submitter. Criteria: Invitae Variant Classification Sherloc (09022015). Collection method: clinical testing. Allele origin: germline.
Comment: This sequence change replaces proline, which is neutral and non-polar, with leucine, which is neutral and non-polar, at codon 1025 of the POLE protein (p.Pro1025Leu). This variant is not present in population databases (gnomAD no frequency). This variant has not been reported in the literature in individuals affected with POLE-related conditions. ClinVar contains an entry for this variant (Variation ID: 1315251). Invitae Evidence Modeling of protein sequence and biophysical properties (such as structural, functional, and spatial information, amino acid conservation, physicochemical variation, residue mobility, and thermodynamic stability) indicates that this missense variant is expected to disrupt POLE protein function with a positive predictive value of 80%. In summary, the available evidence is currently insufficient to determine the role of this variant in disease. Therefore, it has been classified as a Variant of Uncertain Significance.

GeneDx
Classification: Uncertain significance. Last evaluated: 2020-01-30. Review status: criteria provided, single submitter. Criteria: GeneDx Variant Classification Process June 2021. Collection method: clinical testing. Allele origin: germline. Affected: yes.
Comment: Not observed in large population cohorts (Lek 2016); In silico analysis, which includes protein predictors and evolutionary conservation, supports a deleterious effect; Has not been previously published as pathogenic or benign to our knowledge

NM_006231.4(POLE):c.3074C>T (p.Pro1025Leu)

Gene: POLE (DNA polymerase epsilon, catalytic subunit; minus strand). Cytogenetic location: 12q24.33.
Variant type: single nucleotide variant.
Coding change: c.3074C>T on transcript NM_006231.4 (MANE Select); coding-DNA position 3074, C replaced by T.
Protein change: p.Pro1025Leu; replaces proline 1025 with leucine.
Molecular consequence: missense variant.
Genome position (GRCh38, 1-based): chr12:132,659,496, G>A on the plus strand (C>T on the coding strand, the complement: POLE is on the minus strand). VCF-style: chr12-132659496-G-A. GRCh37 (hg19) VCF-style: chr12-133236082-G-A.
Other names: short protein forms P1025L.
Identifiers: ClinVar variation 1315251 (VCV001315251.3), dbSNP rs2138679001, ClinGen allele CA387391857.